The following is an entry in ClinVar:

NM_001943.5(DSG2):c.829-3C>A

Gene: DSG2 (desmoglein 2; plus strand). Cytogenetic location: 18q12.1.
Variant type: single nucleotide variant.
Coding change: c.829-3C>A on transcript NM_001943.5 (MANE Select); 3 bases into the intron before coding-DNA position 829, C replaced by A.
Molecular consequence: intron variant.
Genome position (GRCh38, 1-based): chr18:31,524,700, C>A. VCF-style: chr18-31524700-C-A. GRCh37 (hg19) VCF-style: chr18-29104663-C-A.
Identifiers: ClinVar variation 1693186 (VCV001693186.2), dbSNP rs1295936995, ClinGen allele CA2573155224.

ClinVar aggregate classification (germline): Uncertain significance. Review status: criteria provided, multiple submitters, no conflicts (2 of 4 stars). 2 submissions from 2 submitters: Uncertain significance (2). Last evaluated 2024-05-14.

Conditions:
Arrhythmogenic right ventricular cardiomyopathy (ARVD). Also called: Cardiomyopathy, ARVC; Arrhythmogenic right ventricular dysplasia; Arrhythmogenic cardiomyopathy; Arrhythmogenic Right Ventricular Cardiomyopathy (ARVC). Identifiers: Orphanet 247, MedGen C0349788, MeSH D019571, MONDO:0016587. Disease mechanism: loss of function. Inheritance: Various modes of inheritance.

Submissions (2):

All of Us Research Program, National Institutes of Health
Classification: Uncertain significance for Arrhythmogenic right ventricular cardiomyopathy. Last evaluated: 2024-05-14. Review status: criteria provided, single submitter. Criteria: ACMG Guidelines, 2015. Collection method: clinical testing. Allele origin: germline. Inheritance: Autosomal dominant inheritance. Observed: 1 variant allele, 1 heterozygote.
Comment: This variant causes a C to A nucleotide substitution at the -3 position of intron 7/14 of the DSG2 gene. To our knowledge, RNA studies have not been reported for this variant. This variant has not been reported in individuals affected with DSG2-related disorders in the literature. This variant has not been identified in the general population by the Genome Aggregation Database (gnomAD). The available evidence is insufficient to determine the role of this variant in disease conclusively. Therefore, this variant is classified as a Variant of Uncertain Significance.

This study involves interpretation of variants in research participants for the purpose of population health screening. Participant phenotype was not available at the time of variant classification. Additional details can be found in publication PMID: 35346344, PMCID: PMC8962531

Molecular Genetics Laboratory - Cardiogenetics, CHU de Nantes
Classification: Uncertain significance for Arrhythmogenic right ventricular cardiomyopathy. Last evaluated: 2022-06-01. Review status: criteria provided, single submitter. Criteria: ACMG Guidelines, 2015. Collection method: curation. Allele origin: germline. Affected: yes.